The following is an entry in ClinVar:

ClinVar aggregate classification (germline): Benign/Likely benign. Review status: criteria provided, multiple submitters, no conflicts (2 of 4 stars). 2 submissions from 2 submitters: Benign (1); Likely benign (1). Last evaluated 2026-08-01.

Allele frequency attached by ClinVar (database versions not stated): gnomAD 0.00004 and 0.00005; gnomAD exomes 0.00007 and 0.00032; TOPMed 0.00011; ExAC 0.00023.
gnomAD v4.1: 104 of 1,611,508 alleles (0.0065%); highest among the groups gnomAD compares: Admixed American, 0.16%; no homozygotes.

Submissions (2):

CeGaT Center for Human Genetics Tuebingen
Classification: Likely benign. Last evaluated: 2026-08-01. Review status: criteria provided, single submitter. Criteria: CeGaT Center For Human Genetics Tuebingen Variant Classification Criteria Version 2. Collection method: clinical testing. Allele origin: germline. Affected: yes. Observed: 3 variant alleles.
Comment: CAMTA1: BP4, BS1

Labcorp Genetics (formerly Invitae), Labcorp
Classification: Benign. Last evaluated: 2025-02-18. Review status: criteria provided, single submitter. Criteria: Invitae Variant Classification Sherloc (09022015). Collection method: clinical testing. Allele origin: germline.

NM_015215.4(CAMTA1):c.2226G>A (p.Gln742=)

Gene: CAMTA1 (calmodulin binding transcription activator 1; plus strand). Cytogenetic location: 1p36.23.
Variant type: single nucleotide variant.
Coding change: c.2226G>A on transcript NM_015215.4 (MANE Select); coding-DNA position 2226, G replaced by A.
Protein change: p.Gln742=; no amino-acid change (glutamine 742 retained).
Molecular consequence: synonymous variant.
Genome position (GRCh38, 1-based): chr1:7,664,773, G>A. VCF-style: chr1-7664773-G-A. GRCh37 (hg19) VCF-style: chr1-7724833-G-A.
Other names: c.2136G>A, p.Gln712= (NM_001349608.2, NM_001349612.2); c.2226G>A, p.Gln742= (NM_001349609.2, NM_001349610.2).
Identifiers: ClinVar variation 731505 (VCV000731505.7), dbSNP rs770570148, ClinGen allele CA566598.